The following is an entry in ClinVar:

NM_001378454.1(ALMS1):c.3976A>G (p.Ile1326Val)

Gene: ALMS1 (ALMS1 centrosome and basal body associated protein; plus strand). Cytogenetic location: 2p13.1.
Variant type: single nucleotide variant.
Coding change: c.3976A>G on transcript NM_001378454.1 (MANE Select); coding-DNA position 3976, A replaced by G.
Protein change: p.Ile1326Val; replaces isoleucine 1326 with valine.
Molecular consequence: missense variant.
Genome position (GRCh38, 1-based): chr2:73,450,503, A>G. VCF-style: chr2-73450503-A-G. GRCh37 (hg19) VCF-style: chr2-73677630-A-G.
Other names: c.3979A>G, p.Ile1327Val (NM_015120.4); short protein forms I1326V, I1327V.
Identifiers: ClinVar variation 4985833 (VCV004985833.1).
Genomic context (GRCh38, chr2:73,450,503, plus strand): 5'-CTAACTGAAGAGGCTAAGAATGTTTCAGCGGTTCCTGGACCAGCTGACCAGAAGACTGTG[A>G]TACCAATTTTACCCTCTACTTTCTACTCACACACAGAGAAGCCTGGTGTTTTCTACCAAC-3'
Protein context (NP_001365383.1, residues 1316-1336): VPGPADQKTV[Ile1326Val]PILPSTFYSH

ClinVar aggregate classification (germline): Uncertain significance (1 of 4 stars; one submission).

Conditions:
ALMS1-related disorder. Also called: ALMS1-related condition.

Submission:

PreventionGenetics, part of Exact Sciences
Classification: Uncertain significance for ALMS1-related condition. Last evaluated: 2026-01-17. Review status: criteria provided, single submitter. Criteria: ACMG Guidelines, 2015. Collection method: clinical testing. Allele origin: germline.
Comment: The ALMS1 c.3979A>G variant is predicted to result in the amino acid substitution p.Ile1327Val. To our knowledge, this variant has not been reported in the literature or in a large population database (gnomAD), indicating this variant is rare. At this time, the clinical significance of this variant is uncertain due to the absence of conclusive functional and genetic evidence.